The following is an entry in ClinVar:

ClinVar aggregate classification (germline): Uncertain significance (1 of 4 stars; one submission).

Allele frequency attached by ClinVar (database versions not stated): TOPMed 0.00002; gnomAD 0.00005; ExAC 0.00006; gnomAD exomes 0.00006.
gnomAD v4.1: 87 of 1,613,862 alleles (0.0054%); highest among the groups gnomAD compares: Non-Finnish European, 0.0072%; no homozygotes.

Submission:

Labcorp Genetics (formerly Invitae), Labcorp
Classification: Uncertain significance. Last evaluated: 2022-06-11. Review status: criteria provided, single submitter. Criteria: Invitae Variant Classification Sherloc (09022015). Collection method: clinical testing. Allele origin: germline.
Comment: In summary, the available evidence is currently insufficient to determine the role of this variant in disease. Therefore, it has been classified as a Variant of Uncertain Significance. Algorithms developed to predict the effect of missense changes on protein structure and function (SIFT, PolyPhen-2, Align-GVGD) all suggest that this variant is likely to be disruptive. This variant has not been reported in the literature in individuals affected with FAT1-related conditions. This variant is present in population databases (rs202097333, gnomAD 0.008%). This sequence change replaces arginine, which is basic and polar, with tryptophan, which is neutral and slightly polar, at codon 2454 of the FAT1 protein (p.Arg2454Trp).

NM_005245.4(FAT1):c.7360C>T (p.Arg2454Trp)

Gene: FAT1 (FAT atypical cadherin 1; minus strand). Cytogenetic location: 4q35.2.
Variant type: single nucleotide variant.
Coding change: c.7360C>T on transcript NM_005245.4 (MANE Select); coding-DNA position 7360, C replaced by T.
Protein change: p.Arg2454Trp; replaces arginine 2454 with tryptophan.
Molecular consequence: missense variant.
Genome position (GRCh38, 1-based): chr4:186,619,226, G>A on the plus strand (C>T on the coding strand, the complement: FAT1 is on the minus strand). VCF-style: chr4-186619226-G-A. GRCh37 (hg19) VCF-style: chr4-187540380-G-A.
Other names: short protein forms R2454W.
Identifiers: ClinVar variation 2191409 (VCV002191409.4), dbSNP rs202097333, ClinGen allele CA3166068.